The following is an entry in ClinVar:

NC_000012.12:g.121626759_121626760delinsTT

Genes: ORAI1 (ORAI calcium release-activated calcium modulator 1; plus strand), LOC130008987 (ATAC-STARR-seq lymphoblastoid silent region 4981; plus strand). Cytogenetic location: 12q24.31.
Variant type: Indel.
Genome position: GRCh38 VCF-style: chr12-121626759-CC-TT. GRCh37 (hg19) VCF-style: chr12-122064664-CC-TT.
Other names: c.17_18delCCinsTT, p.Ala6Val (NM_032790.4); short protein forms A6V.
Identifiers: ClinVar variation 1518367 (VCV001518367.6), dbSNP rs2136841311, ClinGen allele CA2573148016.

ClinVar aggregate classification (germline): Uncertain significance (1 of 4 stars; one submission).

Conditions:
Combined immunodeficiency due to ORAI1 deficiency. Also called: IMMUNODEFICIENCY 9. Identifiers: Orphanet 169090, Orphanet 317428, MedGen C2748568, MONDO:0013007, OMIM 612782.
Myopathy, tubular aggregate, 2 (TAM2). Identifiers: MedGen C4014557, MONDO:0014383, OMIM 615883.

Submission:

Labcorp Genetics (formerly Invitae), Labcorp
Classification: Uncertain significance for Myopathy, tubular aggregate, 2; Combined immunodeficiency due to ORAI1 deficiency. Last evaluated: 2024-10-07. Review status: criteria provided, single submitter. Criteria: Invitae Variant Classification Sherloc (09022015). Collection method: clinical testing. Allele origin: germline.
Comment: This sequence change replaces alanine, which is neutral and non-polar, with valine, which is neutral and non-polar, at codon 6 of the ORAI1 protein (p.Ala6Val). The frequency data for this variant in the population databases is considered unreliable, as metrics indicate insufficient coverage at this position in the gnomAD database. This variant has not been reported in the literature in individuals affected with ORAI1-related conditions. ClinVar contains an entry for this variant (Variation ID: 1518367). Experimental studies and prediction algorithms are not available or were not evaluated, and the functional significance of this variant is currently unknown. In summary, the available evidence is currently insufficient to determine the role of this variant in disease. Therefore, it has been classified as a Variant of Uncertain Significance.